The following is an entry in ClinVar:

NM_000059.4(BRCA2):c.9203C>T (p.Ser3068Phe)

Gene: BRCA2 (BRCA2 DNA repair associated; plus strand). Cytogenetic location: 13q13.1.
Variant type: single nucleotide variant.
Coding change: c.9203C>T on transcript NM_000059.4 (MANE Select); coding-DNA position 9203, C replaced by T.
Protein change: p.Ser3068Phe; replaces serine 3068 with phenylalanine.
Molecular consequence: missense variant. On other transcripts: non-coding transcript variant (1).
Genome position (GRCh38, 1-based): chr13:32,380,092, C>T. VCF-style: chr13-32380092-C-T. GRCh37 (hg19) VCF-style: chr13-32954229-C-T.
Other names: c.9107C>T, p.Ser3036Phe (NM_001406719.1); c.9152C>T, p.Ser3051Phe (NM_001406720.1); c.4271C>T, p.Ser1424Phe (NM_001406721.1); c.2786C>T, p.Ser929Phe (NM_001406722.1); c.9203C>T, p.Ser3068Phe (NM_001432077.1); short protein forms S3036F, S3068F, S1424F, S929F, S3051F.
Identifiers: ClinVar variation 3825423 (VCV003825423.1).

ClinVar aggregate classification (germline): Uncertain significance (1 of 4 stars; one submission).

Conditions:
Hereditary cancer-predisposing syndrome. Also called: Hereditary neoplastic syndrome; Neoplastic Syndromes, Hereditary; Tumor predisposition; Hereditary Cancer Syndrome. Identifiers: Orphanet 140162, MedGen C0027672, MeSH D009386, MONDO:0015356.

Submission:

Ambry Genetics
Classification: Uncertain significance for Hereditary cancer-predisposing syndrome. Last evaluated: 2025-01-23. Review status: criteria provided, single submitter. Criteria: Ambry Variant Classification Scheme 2023. Collection method: clinical testing. Allele origin: germline.
Comment: The p.S3068F variant (also known as c.9203C>T), located in coding exon 23 of the BRCA2 gene, results from a C to T substitution at nucleotide position 9203. The serine at codon 3068 is replaced by phenylalanine, an amino acid with highly dissimilar properties. This variant was identified in an individual with early-onset breast cancer (Giacomazzi J et al. JCO Glob Oncol, 2023 Sep;9:e2300006). This amino acid position is poorly conserved in available vertebrate species. In addition, the in silico prediction for this alteration is inconclusive. Based on the available evidence, the clinical significance of this variant remains unclear.

Literature cited by the submitters: PubMed 38060977.